The following is an entry in ClinVar:

ClinVar aggregate classification (germline): Uncertain significance (1 of 4 stars; one submission).

Conditions:
Cardiovascular phenotype. Identifiers: MedGen CN230736.
Hereditary cancer-predisposing syndrome. Also called: Hereditary Cancer Syndrome; Hereditary neoplastic syndrome; Neoplastic Syndromes, Hereditary; Tumor predisposition. Identifiers: Orphanet 140162, MedGen C0027672, MeSH D009386, MONDO:0015356.

Submission:

Ambry Genetics
Classification: Uncertain significance for Cardiovascular phenotype; Hereditary cancer-predisposing syndrome. Last evaluated: 2022-04-05. Review status: criteria provided, single submitter. Criteria: Ambry Variant Classification Scheme 2023. Collection method: clinical testing. Allele origin: germline.
Comment: The p.M1518V variant (also known as c.4552A>G), located in coding exon 34 of the NF1 gene, results from an A to G substitution at nucleotide position 4552. The methionine at codon 1518 is replaced by valine, an amino acid with highly similar properties. This amino acid position is conserved. In addition, this alteration is predicted to be deleterious by in silico analysis. Since supporting evidence is limited at this time, the clinical significance of this alteration remains unclear.

NM_001042492.3(NF1):c.4615A>G (p.Met1539Val)

Gene: NF1 (neurofibromin 1; plus strand). Cytogenetic location: 17q11.2.
Variant type: single nucleotide variant.
Coding change: c.4615A>G on transcript NM_001042492.3 (MANE Select); coding-DNA position 4615, A replaced by G.
Protein change: p.Met1539Val; replaces methionine 1539 with valine.
Molecular consequence: missense variant.
Genome position (GRCh38, 1-based): chr17:31,261,748, A>G. VCF-style: chr17-31261748-A-G. GRCh37 (hg19) VCF-style: chr17-29588766-A-G.
Other names: c.4552A>G, p.Met1518Val (NM_000267.4); short protein forms M1518V, M1539V.
Identifiers: ClinVar variation 1741448 (VCV001741448.2), dbSNP rs766577810, ClinGen allele CA399000226.